The following is an entry in ClinVar:

NM_001366145.2(TRPM3):c.2293A>T (p.Ser765Cys)

Gene: TRPM3 (transient receptor potential cation channel subfamily M member 3; minus strand). Cytogenetic location: 9q21.12.
Variant type: single nucleotide variant.
Coding change: c.2293A>T on transcript NM_001366145.2 (MANE Select); coding-DNA position 2293, A replaced by T.
Protein change: p.Ser765Cys; replaces serine 765 with cysteine.
Molecular consequence: missense variant.
Genome position (GRCh38, 1-based): chr9:70,618,932, T>A on the plus strand (A>T on the coding strand, the complement: TRPM3 is on the minus strand). VCF-style: chr9-70618932-T-A. GRCh37 (hg19) VCF-style: chr9-73233848-T-A.
Other names: c.2257A>T, p.Ser753Cys (NM_001007471.4, NM_001366151.2); c.2263A>T, p.Ser755Cys (NM_001366141.2, NM_001366143.2, NM_001366149.2); c.2299A>T, p.Ser767Cys (NM_001366142.2); c.2293A>T, p.Ser765Cys (NM_001366146.2); c.2368A>T, p.Ser790Cys (NM_001366147.2, NM_001366152.2); c.2338A>T, p.Ser780Cys (NM_001366148.2); c.2227A>T, p.Ser743Cys (NM_001366150.2); c.1834A>T, p.Ser612Cys (NM_001366154.2, NM_024971.7); and 5 more; short protein forms S590C, S600C, S602C, S612C, S615C, S625C, S743C, S753C.
Identifiers: ClinVar variation 4854101 (VCV004854101.1).

ClinVar aggregate classification (germline): Uncertain significance (1 of 4 stars; one submission).

Conditions:
Neurodevelopmental disorder with hypotonia, dysmorphic facies, and skeletal anomalies, with or without seizures (NEDFSS). Also called: TRPM3-Related Neurodevelopmental Disorder. Identifiers: MedGen C5830244, MONDO:0859365, OMIM 620224.

Submission:

3billion
Classification: Uncertain significance for Neurodevelopmental disorder with hypotonia, dysmorphic facies, and skeletal anomalies, with or without seizures. Last evaluated: 2025-06-25. Review status: criteria provided, single submitter. Criteria: ACMG Guidelines, 2015. Collection method: clinical testing. Allele origin: germline. Affected: yes.
Comment: The variant is not observed in the gnomAD v4.1.0 dataset. Predicted Consequence/Location: Missense variant. Missense changes are a common disease-causing mechanism. In silico tool predictions suggest damaging effect of the variant on gene or gene product [3Cnet: 0.99 (> 0.75, sensitivity 0.96 and precision 0.92)]. Therefore, this variant is classified as VUS according to the recommendation of ACMG/AMP guideline.